The following is an entry in ClinVar:

NM_020312.4(COQ9):c.864G>C (p.Lys288Asn)

Gene: COQ9 (coenzyme Q9; plus strand). Cytogenetic location: 16q21.
Variant type: single nucleotide variant.
Coding change: c.864G>C on transcript NM_020312.4 (MANE Select); coding-DNA position 864, G replaced by C.
Protein change: p.Lys288Asn; replaces lysine 288 with asparagine.
Molecular consequence: missense variant.
Genome position (GRCh38, 1-based): chr16:57,459,717, G>C. VCF-style: chr16-57459717-G-C. GRCh37 (hg19) VCF-style: chr16-57493629-G-C.
Other names: p.K288N:AAG>AAC; short protein forms K288N.
Identifiers: ClinVar variation 136989 (VCV000136989.27), dbSNP rs61730662, ClinGen allele CA290447.

ClinVar aggregate classification (germline): Benign. Review status: criteria provided, multiple submitters, no conflicts (2 of 4 stars). 7 submissions from 7 submitters: Benign (6). 1 of the submissions does not count toward it. Last evaluated 2026-02-01.

Conditions:
Encephalopathy-hypertrophic cardiomyopathy-renal tubular disease syndrome. Identifiers: Orphanet 319678, MedGen C3553374, MONDO:0013840, OMIM 614654.

Allele frequency attached by ClinVar (database versions not stated): gnomAD exomes 0.00430; ExAC 0.00526; gnomAD 0.01742 and 0.01873; 1000 Genomes Project 0.01757; 1000 Genomes Project 30x 0.01889; TOPMed 0.01893; ESP Exome Variant Server 0.01954.
gnomAD v4.1: 5,137 of 1,614,082 alleles (0.32%); highest among the groups gnomAD compares: African/African-American, 6.1%; 167 homozygotes.

Submissions (7):

Labcorp Genetics (formerly Invitae), Labcorp
Classification: Benign. Last evaluated: 2026-02-01. Review status: criteria provided, single submitter. Criteria: Invitae Variant Classification Sherloc (09022015). Collection method: clinical testing. Allele origin: germline.

ARUP Laboratories, Molecular Genetics and Genomics, ARUP Laboratories
Classification: Benign for Encephalopathy-hypertrophic cardiomyopathy-renal tubular disease syndrome. Last evaluated: 2023-11-22. Review status: criteria provided, single submitter. Criteria: ARUP Molecular Germline Variant Investigation Process 2024. Collection method: clinical testing. Allele origin: germline.

Illumina Laboratory Services, Illumina
Classification: Benign for Encephalopathy-hypertrophic cardiomyopathy-renal tubular disease syndrome. Last evaluated: 2018-01-12. Review status: criteria provided, single submitter. Criteria: ICSL Variant Classification Criteria 13 December 2019. Collection method: clinical testing. Allele origin: germline.
Comment: This variant was observed in the ICSL laboratory as part of a predisposition screen in an ostensibly healthy population. It had not been previously curated by ICSL or reported in the Human Gene Mutation Database (HGMD: prior to June 1st, 2018), and was therefore a candidate for classification through an automated scoring system. Utilizing variant allele frequency, disease prevalence and penetrance estimates, and inheritance mode, an automated score was calculated to assess if this variant is too frequent to cause the disease. Based on the score and internal cut-off values, a variant classified as benign is not then subjected to further curation. The score for this variant resulted in a classification of benign for this disease.

Center for Pediatric Genomic Medicine, Children's Mercy Hospital and Clinics
Classification: Benign. Last evaluated: 2015-09-28. Review status: criteria provided, single submitter. Criteria: ACMG Guidelines, 2015. Collection method: clinical testing. Allele origin: germline.

GeneDx
Classification: Benign. Last evaluated: 2012-11-28. Review status: criteria provided, single submitter. Criteria: GeneDx Variant Classification (06012015). Collection method: clinical testing. Allele origin: germline. Affected: yes.
Comment: This variant is considered likely benign or benign based on one or more of the following criteria: it is a conservative change, it occurs at a poorly conserved position in the protein, it is predicted to be benign by multiple in silico algorithms, and/or has population frequency not consistent with disease.

Breakthrough Genomics
Classification: Benign. Review status: criteria provided, single submitter. Criteria: ACMG Guidelines, 2015. Collection method: not provided. Allele origin: germline. Inheritance: Autosomal recessive inheritance. Affected: yes.

Mayo Clinic Laboratories, Mayo Clinic
Classification: Benign. Last evaluated: 2017-09-15. Review status: no assertion criteria provided. Collection method: clinical testing. Allele origin: unknown. Not counted in ClinVar's aggregate classification.